The following is an entry in ClinVar:

NM_000018.4(ACADVL):c.1611_1627dup (p.Phe543fs)

Gene: ACADVL (acyl-CoA dehydrogenase very long chain; plus strand). Cytogenetic location: 17p13.1.
Variant type: Duplication.
Coding change: c.1611_1627dup on transcript NM_000018.4 (MANE Select); coding-DNA positions 1611 to 1627, 17 bases duplicated (ACGGGCTCTGGAGCAGT).
Protein change: p.Phe543fs; shifts the reading frame from phenylalanine 543.
Molecular consequence: frameshift variant.
Genome position (GRCh38, 1-based): chr17:7,224,485-7,224,501, ACGGGCTCTGGAGCAGT duplicated; duplicating any 17 consecutive bases within chr17:7,224,480-7,224,501 gives the same sequence; the c. name uses the placement nearest the transcript's 3' end. VCF-style (leftmost placement, unchanged base first): chr17-7224479-G-GGCAGTACGGGCTCTGGA. GRCh37 (hg19) VCF-style: chr17-7127798-G-GGCAGTACGGGCTCTGGA.
Other names: NM_000018.4(ACADVL):c.1611_1627dup; p.Phe543fs; c.1545_1561dup, p.Phe521fs (NM_001033859.3); c.1680_1696dup, p.Phe566fs (NM_001270447.2); c.1383_1399dup, p.Phe467fs (NM_001270448.2); short protein forms F543fs, F566fs, F467fs, F521fs.
Identifiers: ClinVar variation 846935 (VCV000846935.10), ClinGen allele CA774734051.
Genomic context (GRCh38, chr17:7,224,479, plus strand): 5'-CCTGCATCAGGGACTGCAGCCGATGGCCCCTCTGAGCCCCGCACTGTCCCCATCTCTTAA[G>GGCAGTACGGGCTCTGGA]GCAGTACGGGCTCTGGAGCAGTTTGCCACTGTGGTGGAGGCCAAGCTGATAAAACACAAG-3'

ClinVar aggregate classification (germline): Likely pathogenic. Review status: reviewed by expert panel (3 of 4 stars). 3 submissions from 3 submitters: Likely pathogenic (1). 2 of the submissions do not count toward it. Last evaluated 2022-09-20.

Conditions:
Very long chain acyl-CoA dehydrogenase deficiency (ACADVLD). Also called: VLCAD Deficiency; Very Long-Chain Acyl-Coenzyme A Dehydrogenase Deficiency. Identifiers: Orphanet 26793, MedGen C3887523, MONDO:0008723, OMIM 201475.

Submissions (3):

ClinGen ACADVL Variant Curation Expert Panel, ClinGen
Classification: Likely pathogenic for Very long chain acyl-CoA dehydrogenase deficiency. Last evaluated: 2022-09-20. Review status: reviewed by expert panel. Criteria: clingen acadvl acmg specifications v1. Collection method: curation. Allele origin: germline. Inheritance: Autosomal recessive inheritance.
Comment: The c.1611_1627dup (p.Phe543Tyrfs*15) variant in ACADVL is a frameshift predicted to cause a premature stop codon in biologically relevant exon 17/20 leading to nonsense mediated decay in a gene in which loss-of-function is an established disease mechanism (PVS1: PMIDs 9973285, 11590124). This variant is absent from gnomAD v2.1.1 (PM2_Supporting). To our knowledge, this variant has not been reported in the literature in any individuals with VLCADD. The ACADVL Variant Curation Expert Panel VCEP classified the variant as likely pathogenic based on PVS1+PM2_supporting.

Natera, Inc.
Classification: Likely pathogenic for Very long chain acyl-CoA dehydrogenase deficiency. Last evaluated: 2025-10-09. Review status: criteria provided, single submitter. Criteria: Natera Variant Classification Schema (03/2026). Collection method: clinical testing. Allele origin: germline. Not counted in ClinVar's aggregate classification.
Comment: The c.1611_1627dup variant in ACADVL is a frameshift variant predicted to shift the reading frame beginning at codon 543 and leads to a stop codon 15 codons downstream. This variant is expected to result in nonsense mediated decay, truncation, or a dysfunctional protein product. This variant is rare in the general population with a frequency below the threshold expected for the associated phenotype(s). Given the available evidence, this variant is classified as Likely Pathogenic.

Labcorp Genetics (formerly Invitae), Labcorp
Classification: Pathogenic for Very long chain acyl-CoA dehydrogenase deficiency. Last evaluated: 2024-10-12. Review status: criteria provided, single submitter. Criteria: Invitae Variant Classification Sherloc (09022015). Collection method: clinical testing. Allele origin: germline. Not counted in ClinVar's aggregate classification.
Comment: This sequence change creates a premature translational stop signal (p.Phe543Tyrfs*15) in the ACADVL gene. It is expected to result in an absent or disrupted protein product. Loss-of-function variants in ACADVL are known to be pathogenic (PMID: 9973285, 11590124). This variant is not present in population databases (gnomAD no frequency). This variant has not been reported in the literature in individuals affected with ACADVL-related conditions. ClinVar contains an entry for this variant (Variation ID: 846935). For these reasons, this variant has been classified as Pathogenic.

Literature cited by the submitters: PubMed 9973285 (cited by Labcorp Genetics (formerly Invitae), Labcorp); PubMed 11590124 (cited by Labcorp Genetics (formerly Invitae), Labcorp).